The following is an entry in ClinVar:

ClinVar aggregate classification (germline): Uncertain significance (1 of 4 stars; one submission).

Allele frequency attached by ClinVar (database versions not stated): TOPMed below 0.00001; gnomAD exomes 0.00001.
gnomAD v4.1: 3 of 1,614,028 alleles (0.00019%); highest among the groups gnomAD compares: East Asian, 0.0022%; no homozygotes.

Submission:

Labcorp Genetics (formerly Invitae), Labcorp
Classification: Uncertain significance. Last evaluated: 2022-04-08. Review status: criteria provided, single submitter. Criteria: Invitae Variant Classification Sherloc (09022015). Collection method: clinical testing. Allele origin: germline.
Comment: This sequence change replaces histidine, which is basic and polar, with arginine, which is basic and polar, at codon 70 of the OTOA protein (p.His70Arg). This variant is present in population databases (no rsID available, gnomAD 0.006%). This variant has not been reported in the literature in individuals affected with OTOA-related conditions. Algorithms developed to predict the effect of missense changes on protein structure and function output the following: SIFT: "Tolerated"; PolyPhen-2: "Benign"; Align-GVGD: "Class C0". The arginine amino acid residue is found in multiple mammalian species, which suggests that this missense change does not adversely affect protein function. In summary, the available evidence is currently insufficient to determine the role of this variant in disease. Therefore, it has been classified as a Variant of Uncertain Significance.

NM_144672.4(OTOA):c.209A>G (p.His70Arg)

Gene: OTOA (otoancorin). Cytogenetic location: 16p12.2.
Variant type: single nucleotide variant.
Coding change: c.209A>G on transcript NM_144672.4 (MANE Select); coding-DNA position 209, A replaced by G.
Protein change: p.His70Arg; replaces histidine 70 with arginine.
Molecular consequence: missense variant.
Genome position (GRCh38, 1-based): chr16:21,681,767, A>G. VCF-style: chr16-21681767-A-G. GRCh37 (hg19) VCF-style: chr16-21693088-A-G.
Other names: short protein forms H70R.
Identifiers: ClinVar variation 1962307 (VCV001962307.2), dbSNP rs1199835713, ClinGen allele CA395052073.